The following is an entry in ClinVar:

ClinVar aggregate classification (germline): Uncertain significance. Review status: criteria provided, multiple submitters, no conflicts (2 of 4 stars). 2 submissions from 2 submitters: Uncertain significance (2). Last evaluated 2022-03-27.

Conditions:
Combined immunodeficiency due to LRBA deficiency. Also called: Common variable immunodeficiency 8, with autoimmunity. Identifiers: Orphanet 445018, MedGen C3553512, MONDO:0013863, OMIM 614700.

Allele frequency attached by ClinVar (database versions not stated): gnomAD exomes below 0.00001; ExAC 0.00001; gnomAD 0.00001; TOPMed 0.00002.
gnomAD v4.1: 9 of 1,614,044 alleles (0.00056%); highest among the groups gnomAD compares: African/African-American, 0.004%; no homozygotes.

Submissions (2):

Labcorp Genetics (formerly Invitae), Labcorp
Classification: Uncertain significance for Combined immunodeficiency due to LRBA deficiency. Last evaluated: 2022-03-27. Review status: criteria provided, single submitter. Criteria: Invitae Variant Classification Sherloc (09022015). Collection method: clinical testing. Allele origin: germline.
Comment: This sequence change replaces tyrosine, which is neutral and polar, with cysteine, which is neutral and slightly polar, at codon 2758 of the LRBA protein (p.Tyr2758Cys). This variant is present in population databases (rs747108520, gnomAD 0.007%). This variant has not been reported in the literature in individuals affected with LRBA-related conditions. Algorithms developed to predict the effect of missense changes on protein structure and function are either unavailable or do not agree on the potential impact of this missense change (SIFT: "Deleterious"; PolyPhen-2: "Probably Damaging"; Align-GVGD: "Class C15"). In summary, the available evidence is currently insufficient to determine the role of this variant in disease. Therefore, it has been classified as a Variant of Uncertain Significance.

Blueprint Genetics
Classification: Uncertain significance. Last evaluated: 2020-10-09. Review status: criteria provided, single submitter. Criteria: ACMG Guidelines, 2015. Collection method: clinical testing. Allele origin: germline.

NM_001364905.1(LRBA):c.8240A>G (p.Tyr2747Cys)

Gene: LRBA (LPS responsive beige-like anchor protein; minus strand). Cytogenetic location: 4q31.3.
Variant type: single nucleotide variant.
Coding change: c.8240A>G on transcript NM_001364905.1 (MANE Select); coding-DNA position 8240, A replaced by G.
Protein change: p.Tyr2747Cys; replaces tyrosine 2747 with cysteine.
Molecular consequence: missense variant.
Genome position (GRCh38, 1-based): chr4:150,282,526, T>C on the plus strand (A>G on the coding strand, the complement: LRBA is on the minus strand). VCF-style: chr4-150282526-T-C. GRCh37 (hg19) VCF-style: chr4-151203678-T-C.
Other names: c.8237A>G, p.Tyr2746Cys (NM_001199282.3); c.8255A>G, p.Tyr2752Cys (NM_001367550.1); c.8273A>G, p.Tyr2758Cys (NM_006726.5); short protein forms Y2746C, Y2747C, Y2758C, Y2752C.
Identifiers: ClinVar variation 2175770 (VCV002175770.2), dbSNP rs747108520, ClinGen allele CA3101409.
Genomic context (GRCh38, chr4:150,282,526, plus strand): 5'-GTTTCCATCGTGGCCTGGAGTTTTCCATTCACACTGAATGTACAGAAGAGGCCGTTTTCA[T>C]AGAATATGACACAATGACCCTCTCTTGAAGCCTGAATGAGTTTTGGTTTCAGGCAGTTTT-3'
Protein context (NP_001351834.1, residues 2737-2757): ASREGHCVIF[Tyr2747Cys]ENGLFCTFSV